The following is an entry in ClinVar:

ClinVar aggregate classification (germline): Uncertain significance (1 of 4 stars; one submission).

gnomAD v4.1: 9 of 1,602,328 alleles (0.00056%); highest among the groups gnomAD compares: Admixed American, 0.0085%; no homozygotes.

Submission:

Labcorp Genetics (formerly Invitae), Labcorp
Classification: Uncertain significance. Last evaluated: 2025-03-26. Review status: criteria provided, single submitter. Criteria: Invitae Variant Classification Sherloc (09022015). Collection method: clinical testing. Allele origin: germline.
Comment: This sequence change replaces glycine, which is neutral and non-polar, with aspartic acid, which is acidic and polar, at codon 19 of the GRHPR protein (p.Gly19Asp). This variant is present in population databases (no rsID available, gnomAD 0.01%). This missense change has been observed in individual(s) with hyperoxaluria (internal data). In at least one individual the data is consistent with being in trans (on the opposite chromosome) from a pathogenic variant. Invitae Evidence Modeling of protein sequence and biophysical properties (such as structural, functional, and spatial information, amino acid conservation, physicochemical variation, residue mobility, and thermodynamic stability) has been performed for this missense variant. However, the output from this modeling did not meet the statistical confidence thresholds required to predict the impact of this variant on GRHPR protein function. In summary, the available evidence is currently insufficient to determine the role of this variant in disease. Therefore, it has been classified as a Variant of Uncertain Significance.

NM_012203.2(GRHPR):c.56G>A (p.Gly19Asp)

Gene: GRHPR (glyoxylate and hydroxypyruvate reductase; plus strand). Cytogenetic location: 9p13.2.
Variant type: single nucleotide variant.
Coding change: c.56G>A on transcript NM_012203.2 (MANE Select); coding-DNA position 56, G replaced by A.
Protein change: p.Gly19Asp; replaces glycine 19 with aspartic acid.
Molecular consequence: missense variant.
Genome position (GRCh38, 1-based): chr9:37,422,806, G>A. VCF-style: chr9-37422806-G-A. GRCh37 (hg19) VCF-style: chr9-37422803-G-A.
Other names: short protein forms G19D.
Identifiers: ClinVar variation 4692268 (VCV004692268.1).